The following is an entry in ClinVar:

NM_001127671.2(LIFR):c.1171G>A (p.Glu391Lys)

Gene: LIFR (LIF receptor subunit alpha; minus strand). Cytogenetic location: 5p13.1.
Variant type: single nucleotide variant.
Coding change: c.1171G>A on transcript NM_001127671.2 (MANE Select); coding-DNA position 1171, G replaced by A.
Protein change: p.Glu391Lys; replaces glutamic acid 391 with lysine.
Molecular consequence: missense variant.
Genome position (GRCh38, 1-based): chr5:38,506,025, C>T on the plus strand (G>A on the coding strand, the complement: LIFR is on the minus strand). VCF-style: chr5-38506025-C-T. GRCh37 (hg19) VCF-style: chr5-38506127-C-T.
Other names: c.1171G>A, p.Glu391Lys (NM_001364297.2, NM_001364298.2, NM_002310.6); short protein forms E391K.
Identifiers: ClinVar variation 1062325 (VCV001062325.3), dbSNP rs373421600, ClinGen allele CA3243023.
Genomic context (GRCh38, chr5:38,506,025, plus strand): 5'-TCAAAGTAAAATTATATATTTCTTGATTTGGAAGCATTTGAAATAATAATTGATAGCTTT[C>T]GTTTGTAGGTGCTTCAGCTCTTTTAAGTCTAACATATTTTCCTGAAAAACTGTTAATTAA-3'
Protein context (NP_001121143.1, residues 381-401): RLKRAEAPTN[Glu391Lys]SYQLLFQMLP

ClinVar aggregate classification (germline): Uncertain significance. Review status: criteria provided, single submitter (1 of 4 stars). 2 submissions from 2 submitters: Uncertain significance (1). 1 of the submissions does not count toward it. Last evaluated 2022-08-22.

Conditions:
Stuve-Wiedemann syndrome (STWS). Also called: Stüve-Wiedemann syndrome. Identifiers: Orphanet 3206, MedGen C0796176, MONDO:0031280.

Allele frequency attached by ClinVar (database versions not stated): gnomAD exomes 0.00002 and 0.00003; ExAC 0.00004; gnomAD 0.00004; TOPMed 0.00004; ESP Exome Variant Server 0.00008.
gnomAD v4.1: 39 of 1,605,828 alleles (0.0024%); highest among the groups gnomAD compares: Non-Finnish European, 0.0031%; no homozygotes.

Submissions (2):

Labcorp Genetics (formerly Invitae), Labcorp
Classification: Uncertain significance. Last evaluated: 2022-08-22. Review status: criteria provided, single submitter. Criteria: Invitae Variant Classification Sherloc (09022015). Collection method: clinical testing. Allele origin: germline.
Comment: This sequence change replaces glutamic acid, which is acidic and polar, with lysine, which is basic and polar, at codon 391 of the LIFR protein (p.Glu391Lys). This variant is present in population databases (rs373421600, gnomAD 0.007%). This variant has not been reported in the literature in individuals affected with LIFR-related conditions. ClinVar contains an entry for this variant (Variation ID: 1062325). Algorithms developed to predict the effect of missense changes on protein structure and function (SIFT, PolyPhen-2, Align-GVGD) all suggest that this variant is likely to be tolerated. In summary, the available evidence is currently insufficient to determine the role of this variant in disease. Therefore, it has been classified as a Variant of Uncertain Significance.

Natera, Inc.
Classification: Uncertain significance for Stuve-Wiedemann syndrome. Last evaluated: 2020-04-13. Review status: no assertion criteria provided. Collection method: clinical testing. Allele origin: germline. Not counted in ClinVar's aggregate classification.